The following is an entry in ClinVar:

ClinVar aggregate classification (germline): Likely benign. Review status: criteria provided, multiple submitters, no conflicts (2 of 4 stars). 2 submissions from 2 submitters: Likely benign (2). Last evaluated 2025-10-11.

Conditions:
Leukocyte adhesion deficiency 1 (LAD1). Also called: LEUKOCYTE ADHESION DEFICIENCY, TYPE I; LAD 1; Lymphocyte function-associated antigen 1 immunodeficiency; LFA 1 immunodeficiency. Identifiers: Orphanet 2968, Orphanet 99842, MedGen C0398738, MONDO:0007293, OMIM 116920.

gnomAD v4.1: 15 of 1,607,882 alleles (0.00093%); highest among the groups gnomAD compares: East Asian, 0.0022%; no homozygotes.

Submissions (2):

Labcorp Genetics (formerly Invitae), Labcorp
Classification: Likely benign for Leukocyte adhesion deficiency 1. Last evaluated: 2025-10-11. Review status: criteria provided, single submitter. Criteria: Invitae Variant Classification Sherloc (09022015). Collection method: clinical testing. Allele origin: germline.

Mayo Clinic Laboratories, Mayo Clinic
Classification: Likely benign. Last evaluated: 2025-03-20. Review status: criteria provided, single submitter. Criteria: ACMG Guidelines, 2015. Collection method: clinical testing. Allele origin: germline. Observed: 1 variant allele.
Comment: BP4, BP7

NM_000211.5(ITGB2):c.1716G>A (p.Ala572=)

Gene: ITGB2 (integrin subunit beta 2; minus strand). Cytogenetic location: 21q22.3.
Variant type: single nucleotide variant.
Coding change: c.1716G>A on transcript NM_000211.5 (MANE Select); coding-DNA position 1716, G replaced by A.
Protein change: p.Ala572=; no amino-acid change (alanine 572 retained).
Molecular consequence: synonymous variant.
Genome position (GRCh38, 1-based): chr21:44,889,437, C>T on the plus strand (G>A on the coding strand, the complement: ITGB2 is on the minus strand). VCF-style: chr21-44889437-C-T. GRCh37 (hg19) VCF-style: chr21-46309352-C-T.
Other names: p.Ala572=; c.1716G>A, p.Ala572= (NM_001127491.3); c.1509G>A, p.Ala503= (NM_001303238.2).
Identifiers: ClinVar variation 1634943 (VCV001634943.9), dbSNP rs767238034, ClinGen allele CA10062723.